The following is an entry in ClinVar:

ClinVar aggregate classification (germline): Likely benign. Review status: criteria provided, multiple submitters, no conflicts (2 of 4 stars). 2 submissions from 2 submitters: Likely benign (2). Last evaluated 2024-12-02.

Conditions:
Progressive sclerosing poliodystrophy (MTDPS4A). Also called: ALPERS PROGRESSIVE INFANTILE POLIODYSTROPHY; NEURONAL DEGENERATION OF CHILDHOOD WITH LIVER DISEASE, PROGRESSIVE; Alpers-Huttenlocher Syndrome (AHS); Alpers Syndrome; Mitochondrial DNA Depletion Syndrome 4A; ALPERS DIFFUSE DEGENERATION OF CEREBRAL GRAY MATTER WITH HEPATIC CIRRHOSIS. Identifiers: Orphanet 726, MedGen C0205710, MONDO:0008758, OMIM 203700.

Allele frequency attached by ClinVar (database versions not stated): gnomAD exomes below 0.00001 and 0.00001; ExAC 0.00001.

Submissions (2):

Labcorp Genetics (formerly Invitae), Labcorp
Classification: Likely benign for Progressive sclerosing poliodystrophy. Last evaluated: 2024-12-02. Review status: criteria provided, single submitter. Criteria: Invitae Variant Classification Sherloc (09022015). Collection method: clinical testing. Allele origin: germline.

GeneDx
Classification: Likely benign. Last evaluated: 2016-05-18. Review status: criteria provided, single submitter. Criteria: GeneDx Variant Classification (06012015). Collection method: clinical testing. Allele origin: germline. Affected: yes.
Comment: This variant is considered likely benign or benign based on one or more of the following criteria: it is a conservative change, it occurs at a poorly conserved position in the protein, it is predicted to be benign by multiple in silico algorithms, and/or has population frequency not consistent with disease.

NM_002693.3(POLG):c.3363A>G (p.Glu1121=)

Gene: POLG (DNA polymerase gamma, catalytic subunit; minus strand). Cytogenetic location: 15q26.1.
Variant type: single nucleotide variant.
Coding change: c.3363A>G on transcript NM_002693.3 (MANE Select); coding-DNA position 3363, A replaced by G.
Protein change: p.Glu1121=; no amino-acid change (glutamic acid 1121 retained).
Molecular consequence: synonymous variant.
Genome position (GRCh38, 1-based): chr15:89,318,660, T>C on the plus strand (A>G on the coding strand, the complement: POLG is on the minus strand). VCF-style: chr15-89318660-T-C. GRCh37 (hg19) VCF-style: chr15-89861891-T-C.
Other names: c.3363A>G, p.Glu1121= (NM_001126131.2).
Identifiers: ClinVar variation 385918 (VCV000385918.9), dbSNP rs773341540, ClinGen allele CA7724154.